The following is an entry in ClinVar:

ClinVar aggregate classification (germline): Pathogenic. Review status: criteria provided, multiple submitters, no conflicts (2 of 4 stars). 3 submissions from 3 submitters: Pathogenic (3). Last evaluated 2025-06-11.

Conditions:
Cardiovascular phenotype. Identifiers: MedGen CN230736.
Walker-Warburg congenital muscular dystrophy. Also called: Muscular dystrophy-dystroglycanopathy, type A; Walker-Warburg syndrome. Identifiers: Orphanet 899, MedGen C0265221, MONDO:0000171.
Autosomal recessive limb-girdle muscular dystrophy type 2I. Also called: MUSCULAR DYSTROPHY-DYSTROGLYCANOPATHY, LIMB-GIRDLE, FRKP-RELATED; MUSCULAR DYSTROPHY, LIMB-GIRDLE, TYPE 2I; MUSCULAR DYSTROPHY-DYSTROGLYCANOPATHY (LIMB-GIRDLE), TYPE C, 5. Identifiers: Orphanet 34515, MedGen C1846672, MONDO:0011787, OMIM 607155.

Submissions (3):

Natera, Inc.
Classification: Pathogenic for Limb-girdle muscular dystrophy type 2I. Last evaluated: 2025-06-11. Review status: criteria provided, single submitter. Criteria: Natera Variant Classification Schema (03/2026). Collection method: clinical testing. Allele origin: germline.
Comment: The c.1187dupA variant in FKRP is a frameshift variant predicted to shift the reading frame beginning at codon 397 and leads to a stop codon 67 codons downstream. This variant is expected to result in nonsense mediated decay, truncation, or a dysfunctional protein product. This variant is rare in the general population with a frequency below the threshold expected for the associated phenotype(s). This variant has been observed in one or more individuals affected with the associated recessive disease, as either homozygous or compound heterozygous with a second variant (PMID: 15883334). Given the available evidence, this variant is classified as Pathogenic.

Ambry Genetics
Classification: Pathogenic for Cardiovascular phenotype. Last evaluated: 2022-01-14. Review status: criteria provided, single submitter. Criteria: Ambry Variant Classification Scheme 2023. Collection method: clinical testing. Allele origin: germline.
Comment: The c.1187dupA pathogenic mutation, located in coding exon 1 of the FKRP gene, results from a duplication of A at nucleotide position 1187, causing a translational frameshift with a predicted alternate stop codon (p.A397Gfs*67). This alteration occurs at the 3' terminus of theFKRP gene, is not expected to trigger nonsense-mediated mRNA decay, and only impacts the last 20% (99 amino acids) of the protein. However, premature stop codons are typically deleterious in nature and the impacted region is critical for protein function (Ambry internal data). This variant has been reported to co-occur with another pathogenic mutation in the FKRP gene in individuals reported to have limb-girdle muscular dystrophy (Sveen ML et al. Ann Neurol, 2006 May;59:808-15). This variant is considered to be rare based on population cohorts in the Genome Aggregation Database (gnomAD). Based on the supporting evidence, this alteration is interpreted as a disease-causing mutation.

Labcorp Genetics (formerly Invitae), Labcorp
Classification: Pathogenic for Walker-Warburg congenital muscular dystrophy. Last evaluated: 2021-09-28. Review status: criteria provided, single submitter. Criteria: Invitae Variant Classification Sherloc (09022015). Collection method: clinical testing. Allele origin: germline.
Comment: For these reasons, this variant has been classified as Pathogenic. This variant disrupts a region of the FKRP protein in which other variant(s) (p.Ile478Thr) have been determined to be pathogenic (PMID: 16476814, 18639457, 19299310). This suggests that this is a clinically significant region of the protein, and that variants that disrupt it are likely to be disease-causing. This premature translational stop signal has been observed in individual(s) with FKRP-related conditions (PMID: 15883334). This variant is present in population databases (rs772020161, ExAC 0.002%). This sequence change creates a premature translational stop signal (p.Ala397Glyfs*67) in the FKRP gene. While this is not anticipated to result in nonsense mediated decay, it is expected to disrupt the last 99 amino acid(s) of the FKRP protein.

Literature cited by the submitters: PubMed 15883334 (cited by 3 submitters); PubMed 16634037 (cited by Ambry Genetics); PubMed 32342672 (cited by Ambry Genetics); PubMed 16476814 (cited by Labcorp Genetics (formerly Invitae), Labcorp); PubMed 18639457 (cited by Labcorp Genetics (formerly Invitae), Labcorp); PubMed 19299310 (cited by Labcorp Genetics (formerly Invitae), Labcorp).

NM_024301.5(FKRP):c.1187dup (p.Ala397fs)

Gene: FKRP (fukutin related protein; plus strand). Cytogenetic location: 19q13.32.
Variant type: Duplication.
Coding change: c.1187dup on transcript NM_024301.5 (MANE Select); coding-DNA position 1187, one base duplicated (A; older notation c.1187dupA).
Protein change: p.Ala397fs; shifts the reading frame from alanine 397.
Molecular consequence: frameshift variant.
Genome position (GRCh38, 1-based): chr19:46,756,637, A duplicated; the last of 2 consecutive A bases (chr19:46,756,636-46,756,637); duplicating either gives the same sequence. VCF-style (leftmost placement, unchanged base first): chr19-46756635-G-GA. GRCh37 (hg19) VCF-style: chr19-47259892-G-GA.
Other names: c.1187dup, p.Ala397fs (NM_001039885.3); short protein forms A397fs.
Identifiers: ClinVar variation 1395158 (VCV001395158.9), dbSNP rs772020161, ClinGen allele CA9532271.